The following is an entry in ClinVar:

NM_001282116.2(RFX3):c.1675A>T (p.Thr559Ser)

Gene: RFX3 (regulatory factor X3; minus strand). Cytogenetic location: 9p24.2.
Variant type: single nucleotide variant.
Coding change: c.1675A>T on transcript NM_001282116.2 (MANE Select); coding-DNA position 1675, A replaced by T.
Protein change: p.Thr559Ser; replaces threonine 559 with serine.
Molecular consequence: missense variant.
Genome position (GRCh38, 1-based): chr9:3,257,130, T>A on the plus strand (A>T on the coding strand, the complement: RFX3 is on the minus strand). VCF-style: chr9-3257130-T-A. GRCh37 (hg19) VCF-style: chr9-3257130-T-A.
Other names: c.1675A>T, p.Thr559Ser (NM_001377999.1, NM_002919.4, NM_134428.3); short protein forms T559S.
Identifiers: ClinVar variation 2503190 (VCV002503190.1), dbSNP rs2489194600, ClinGen allele CA372843812.

ClinVar aggregate classification (germline): Uncertain significance (1 of 4 stars; one submission).

Submission:

GeneDx
Classification: Uncertain significance. Last evaluated: 2022-11-22. Review status: criteria provided, single submitter. Criteria: GeneDx Variant Classification Process June 2021. Collection method: clinical testing. Allele origin: germline. Affected: yes.
Comment: Not observed at significant frequency in large population cohorts (gnomAD); In silico analysis supports that this missense variant has a deleterious effect on protein structure/function; Has not been previously published as pathogenic or benign to our knowledge